The following is an entry in ClinVar:

ClinVar aggregate classification (germline): Uncertain significance (1 of 4 stars; one submission).

Submission:

Labcorp Genetics (formerly Invitae), Labcorp
Classification: Uncertain significance. Last evaluated: 2022-10-22. Review status: criteria provided, single submitter. Criteria: Invitae Variant Classification Sherloc (09022015). Collection method: clinical testing. Allele origin: germline.
Comment: This sequence change replaces alanine, which is neutral and non-polar, with serine, which is neutral and polar, at codon 1554 of the MYH9 protein (p.Ala1554Ser). In summary, the available evidence is currently insufficient to determine the role of this variant in disease. Therefore, it has been classified as a Variant of Uncertain Significance. Advanced modeling of protein sequence and biophysical properties (such as structural, functional, and spatial information, amino acid conservation, physicochemical variation, residue mobility, and thermodynamic stability) performed at Invitae indicates that this missense variant is not expected to disrupt MYH9 protein function. This variant has not been reported in the literature in individuals affected with MYH9-related conditions. This variant is not present in population databases (gnomAD no frequency).

NM_002473.6(MYH9):c.4660G>T (p.Ala1554Ser)

Gene: MYH9 (myosin heavy chain 9; minus strand). Cytogenetic location: 22q12.3.
Variant type: single nucleotide variant.
Coding change: c.4660G>T on transcript NM_002473.6 (MANE Select); coding-DNA position 4660, G replaced by T.
Protein change: p.Ala1554Ser; replaces alanine 1554 with serine.
Molecular consequence: missense variant.
Genome position (GRCh38, 1-based): chr22:36,288,837, C>A on the plus strand (G>T on the coding strand, the complement: MYH9 is on the minus strand). VCF-style: chr22-36288837-C-A. GRCh37 (hg19) VCF-style: chr22-36684883-C-A.
Other names: short protein forms A1554S.
Identifiers: ClinVar variation 1718002 (VCV001718002.5), dbSNP rs2517953824, ClinGen allele CA411377822.